The following is an entry in ClinVar:

ClinVar aggregate classification (germline): Pathogenic (1 of 4 stars; one submission).

Conditions:
Alstrom syndrome (ALMS). Identifiers: Orphanet 64, MedGen C0268425, MONDO:0008763, OMIM 203800.

Submission:

Labcorp Genetics (formerly Invitae), Labcorp
Classification: Pathogenic for Alstrom syndrome. Last evaluated: 2022-12-21. Review status: criteria provided, single submitter. Criteria: Invitae Variant Classification Sherloc (09022015). Collection method: clinical testing. Allele origin: germline.
Comment: This sequence change creates a premature translational stop signal (p.Asn3552Lysfs*14) in the ALMS1 gene. It is expected to result in an absent or disrupted protein product. Loss-of-function variants in ALMS1 are known to be pathogenic (PMID: 17594715). For these reasons, this variant has been classified as Pathogenic. This variant has not been reported in the literature in individuals affected with ALMS1-related conditions. This variant is not present in population databases (gnomAD no frequency).

Literature cited by the submitters: PubMed 17594715.

NM_001378454.1(ALMS1):c.10652dup (p.Asn3551fs)

Gene: ALMS1 (ALMS1 centrosome and basal body associated protein; plus strand). Cytogenetic location: 2p13.1.
Variant type: Duplication.
Coding change: c.10652dup on transcript NM_001378454.1 (MANE Select); coding-DNA position 10652, one base duplicated (A; older notation c.10652dupA).
Protein change: p.Asn3551fs; shifts the reading frame from asparagine 3551.
Molecular consequence: frameshift variant.
Genome position (GRCh38, 1-based): chr2:73,572,529, A duplicated; the last of 2 consecutive A bases (chr2:73,572,528-73,572,529); duplicating either gives the same sequence. VCF-style (leftmost placement, unchanged base first): chr2-73572527-C-CA. GRCh37 (hg19) VCF-style: chr2-73799654-C-CA.
Other names: c.10655dup, p.Asn3552fs (NM_015120.4); short protein forms N3551fs, N3552fs.
Identifiers: ClinVar variation 2134042 (VCV002134042.4), dbSNP rs1674958525, ClinGen allele CA1261021257.
Genomic context (GRCh38, chr2:73,572,527, plus strand): 5'-TCCTTATCAAAACATGGACAAGACTAAGACAGATTATACCAGAATAAAGAGCCTCAGCAT[C>CA]AATGTGAATTTGGGAAACAAAGAAGTGATGGATACTACTAAAAGTCAAGTTAGAGATTAT-3'